The following is an entry in ClinVar:

ClinVar aggregate classification (germline): Uncertain significance (1 of 4 stars; one submission).

Conditions:
Hereditary cancer-predisposing syndrome. Also called: Neoplastic Syndromes, Hereditary; Tumor predisposition; Hereditary Cancer Syndrome; Hereditary neoplastic syndrome. Identifiers: Orphanet 140162, MedGen C0027672, MeSH D009386, MONDO:0015356.

gnomAD v4.1: 2 of 1,613,038 alleles (0.00012%); highest among the groups gnomAD compares: African/African-American, 0.0027%; no homozygotes.

Submission:

Ambry Genetics
Classification: Uncertain significance for Hereditary cancer-predisposing syndrome. Last evaluated: 2025-12-23. Review status: criteria provided, single submitter. Criteria: Ambry Variant Classification Scheme 2023. Collection method: clinical testing. Allele origin: germline.
Comment: The p.R150G variant (also known as c.448A>G), located in coding exon 4 of the RB1 gene, results from an A to G substitution at nucleotide position 448. The arginine at codon 150 is replaced by glycine, an amino acid with dissimilar properties. This amino acid position is conserved. In addition, the in silico prediction for this alteration is inconclusive. Based on the available evidence, the clinical significance of this variant remains unclear.

NM_000321.3(RB1):c.448A>G (p.Arg150Gly)

Gene: RB1 (RB transcriptional corepressor 1; plus strand). Cytogenetic location: 13q14.2.
Variant type: single nucleotide variant.
Coding change: c.448A>G on transcript NM_000321.3 (MANE Select); coding-DNA position 448, A replaced by G.
Protein change: p.Arg150Gly; replaces arginine 150 with glycine.
Molecular consequence: missense variant.
Genome position (GRCh38, 1-based): chr13:48,345,147, A>G. VCF-style: chr13-48345147-A-G. GRCh37 (hg19) VCF-style: chr13-48919283-A-G.
Other names: c.448A>G, p.Arg150Gly (NM_001407165.1, NM_001407166.1); short protein forms R150G.
Identifiers: ClinVar variation 4842600 (VCV004842600.1).